The following is an entry in ClinVar:

NM_000404.4(GLB1):c.1577del (p.Gly526fs)

Gene: GLB1 (galactosidase beta 1; minus strand). Cytogenetic location: 3p22.3.
Variant type: Deletion.
Coding change: c.1577del on transcript NM_000404.4 (MANE Select); coding-DNA position 1577, one base deleted (G; older notation c.1577delG).
Protein change: p.Gly526fs; shifts the reading frame from glycine 526.
Molecular consequence: frameshift variant.
Genome position (GRCh38, 1-based): chr3:33,014,213, C deleted on the plus strand (G on the coding strand, the reverse complement: GLB1 is on the minus strand); the first of 6 consecutive C bases (chr3:33,014,213-33,014,218); deleting any one gives the same sequence. VCF-style (leftmost placement, unchanged base first): chr3-33014212-GC-G. GRCh37 (hg19) VCF-style: chr3-33055704-GC-G.
Other names: c.1487del, p.Gly496fs (NM_001079811.3); c.1184del, p.Gly395fs (NM_001135602.3); c.1721del, p.Gly574fs (NM_001317040.2); c.1577del, p.Gly526fs (NM_001393580.1); c.1577del (NM_000404.3); short protein forms G526fs, G574fs, G395fs, G496fs.
Identifiers: ClinVar variation 2942836 (VCV002942836.4), dbSNP rs794729217, ClinGen allele CA542612833.
Genomic context (GRCh38, chr3:33,014,212, plus strand): 5'-GTAGTTGGATGAGTTGTGGGCCCAGGCTTCATCATGGTGGCCACTGTCACGGTGTCCCCA[GC>G]CCCCCAGGTGGCTGCACACTGCATCCTCAGTGTCCAGTGGAAAGATCGTCCAGTCCGTGA-3'

ClinVar aggregate classification (germline): Pathogenic/Likely pathogenic. Review status: criteria provided, multiple submitters, no conflicts (2 of 4 stars). 2 submissions from 2 submitters: Pathogenic (1); Likely pathogenic (1). Last evaluated 2025-10-30.

Conditions:
Mucopolysaccharidosis, MPS-IV-B (MPS4B). Also called: Mucopolysaccharidosis type 4B; Mucopolysaccharidosis type IVB (Morquio); MPS IVB; MORQUIO SYNDROME B; Mucopolysaccharidosis type IV B; Mucopolysaccharidosis Type IVB. Identifiers: Orphanet 309310, Orphanet 582, MedGen C0086652, MONDO:0009660, OMIM 253010.
GM1 gangliosidosis. Identifiers: Orphanet 354, MedGen C0085131, MONDO:0018149.

Submissions (2):

Natera, Inc.
Classification: Likely pathogenic for Mucopolysaccharidosis, MPS-IV-B. Last evaluated: 2025-10-30. Review status: criteria provided, single submitter. Criteria: Natera Variant Classification Schema (03/2026). Collection method: clinical testing. Allele origin: germline.
Comment: The c.1577del variant in GLB1 is a frameshift variant predicted to shift the reading frame beginning at codon 526 and leads to a stop codon 74 codons downstream. This variant is expected to result in nonsense mediated decay, truncation, or a dysfunctional protein product. This variant is rare in the general population with a frequency below the threshold expected for the associated phenotype(s). Given the available evidence, this variant is classified as Likely Pathogenic.

Labcorp Genetics (formerly Invitae), Labcorp
Classification: Pathogenic for Mucopolysaccharidosis, MPS-IV-B; GM1 gangliosidosis. Last evaluated: 2022-12-31. Review status: criteria provided, single submitter. Criteria: Invitae Variant Classification Sherloc (09022015). Collection method: clinical testing. Allele origin: germline.
Comment: This variant has not been reported in the literature in individuals affected with GLB1-related conditions. This variant disrupts a region of the GLB1 protein in which other variant(s) (p.Arg590Cys) have been determined to be pathogenic (PMID: 16941474, 17309651, 17664528, 23430803). This suggests that this is a clinically significant region of the protein, and that variants that disrupt it are likely to be disease-causing. For these reasons, this variant has been classified as Pathogenic. This variant is present in population databases (no rsID available, gnomAD 0.0009%). This sequence change creates a premature translational stop signal (p.Gly526Alafs*74) in the GLB1 gene. While this is not anticipated to result in nonsense mediated decay, it is expected to disrupt the last 152 amino acid(s) of the GLB1 protein.

Literature cited by the submitters: PubMed 16941474 (cited by Labcorp Genetics (formerly Invitae), Labcorp); PubMed 17309651 (cited by Labcorp Genetics (formerly Invitae), Labcorp); PubMed 17664528 (cited by Labcorp Genetics (formerly Invitae), Labcorp); PubMed 23430803 (cited by Labcorp Genetics (formerly Invitae), Labcorp).